The following is an entry in ClinVar:

ClinVar aggregate classification (germline): Uncertain significance. Review status: criteria provided, multiple submitters, no conflicts (2 of 4 stars). 3 submissions from 3 submitters: Uncertain significance (3). Last evaluated 2024-10-04.

Conditions:
CACNA1H-related disorder.
Inborn genetic diseases. Identifiers: MedGen C0950123, MeSH D030342.
Hyperaldosteronism, familial, type IV (HALD4). Also called: FH IV; ALDOSTERONISM, PRIMARY, AND HYPERTENSION. Identifiers: Orphanet 642671, MedGen C4310756, MONDO:0014875, OMIM 617027.
Idiopathic generalized epilepsy. Also called: EIG; Generalised epilepsy. Identifiers: MedGen C0270850, MONDO:0005579, OMIM 600669.

Allele frequency attached by ClinVar (database versions not stated): gnomAD 0.00001; TOPMed 0.00001.
gnomAD v4.1: 5 of 1,601,306 alleles (0.00031%); highest among the groups gnomAD compares: Middle Eastern, 0.016%; no homozygotes.

Submissions (3):

Ambry Genetics
Classification: Uncertain significance for Inborn genetic diseases. Last evaluated: 2024-10-04. Review status: criteria provided, single submitter. Criteria: Ambry Variant Classification Scheme 2023. Collection method: clinical testing. Allele origin: germline.

Labcorp Genetics (formerly Invitae), Labcorp
Classification: Uncertain significance for Idiopathic generalized epilepsy; Hyperaldosteronism, familial, type IV. Last evaluated: 2023-08-10. Review status: criteria provided, single submitter. Criteria: Invitae Variant Classification Sherloc (09022015). Collection method: clinical testing. Allele origin: germline.
Comment: This sequence change replaces arginine, which is basic and polar, with cysteine, which is neutral and slightly polar, at codon 309 of the CACNA1H protein (p.Arg309Cys). This variant is not present in population databases (gnomAD no frequency). This variant has not been reported in the literature in individuals affected with CACNA1H-related conditions. Advanced modeling of protein sequence and biophysical properties (such as structural, functional, and spatial information, amino acid conservation, physicochemical variation, residue mobility, and thermodynamic stability) performed at Invitae indicates that this missense variant is not expected to disrupt CACNA1H protein function. In summary, the available evidence is currently insufficient to determine the role of this variant in disease. Therefore, it has been classified as a Variant of Uncertain Significance.

PreventionGenetics, part of Exact Sciences
Classification: Uncertain significance for CACNA1H-related condition. Last evaluated: 2022-12-08. Review status: criteria provided, single submitter. Criteria: ACMG Guidelines, 2015. Collection method: clinical testing. Allele origin: germline.
Comment: The CACNA1H c.925C>T variant is predicted to result in the amino acid substitution p.Arg309Cys. To our knowledge, this variant has not been reported in the literature or in a large population database, indicating this variant is rare. At this time, the clinical significance of this variant is uncertain due to the absence of conclusive functional and genetic evidence.

NM_021098.3(CACNA1H):c.925C>T (p.Arg309Cys)

Gene: CACNA1H (calcium voltage-gated channel subunit alpha1 H; plus strand). Cytogenetic location: 16p13.3.
Variant type: single nucleotide variant.
Coding change: c.925C>T on transcript NM_021098.3 (MANE Select); coding-DNA position 925, C replaced by T.
Protein change: p.Arg309Cys; replaces arginine 309 with cysteine.
Molecular consequence: missense variant.
Genome position (GRCh38, 1-based): chr16:1,200,377, C>T. VCF-style: chr16-1200377-C-T. GRCh37 (hg19) VCF-style: chr16-1250377-C-T.
Other names: c.925C>T, p.Arg309Cys (NM_001005407.2); short protein forms R309C.
Identifiers: ClinVar variation 2635371 (VCV002635371.5), dbSNP rs975062128, ClinGen allele CA276645926.
Genomic context (GRCh38, chr16:1,200,377, plus strand): 5'-TTCATCTGCTCCTCACGCCGAGACAACGGCATGCAGAAGTGCTCGCACATCCCCGGCCGC[C>T]GCGAGCTGCGCATGCCCTGCACCCTGGGCTGGGAGGCCTACACGCAGCCGCAGGCCGAGG-3'
Protein context (NP_066921.2, residues 299-319): MQKCSHIPGR[Arg309Cys]ELRMPCTLGW